The following is an entry in ClinVar:

NM_001994.3(F13B):c.344G>A (p.Arg115His)

Gene: F13B (coagulation factor XIII B chain; minus strand). Cytogenetic location: 1q31.3.
Variant type: single nucleotide variant.
Coding change: c.344G>A on transcript NM_001994.3 (MANE Select); coding-DNA position 344, G replaced by A.
Protein change: p.Arg115His; replaces arginine 115 with histidine.
Molecular consequence: missense variant.
Genome position (GRCh38, 1-based): chr1:197,061,891, C>T on the plus strand (G>A on the coding strand, the complement: F13B is on the minus strand). VCF-style: chr1-197061891-C-T. GRCh37 (hg19) VCF-style: chr1-197031021-C-T.
Other names: F13B, HIS95ARG; H95R; short protein forms R115H.
Identifiers: ClinVar variation 16520 (VCV000016520.18), dbSNP rs6003, ClinGen allele CA210740.

ClinVar aggregate classification (germline): Benign. Review status: criteria provided, multiple submitters, no conflicts (2 of 4 stars). 11 submissions from 11 submitters: Benign (8). 3 of the submissions do not count toward it. Last evaluated 2026-05-11.

Conditions:
Venous thrombosis, susceptibility to. Identifiers: MedGen C4016042.
Factor XIII, b subunit, deficiency of. Also called: Factor XIII subunit B deficiency. Identifiers: Orphanet 331, MedGen C2750481, MONDO:0013190, OMIM 613235, HP:0040234.

Allele frequency attached by ClinVar (database versions not stated): 1000 Genomes Project 30x 0.74797; TOPMed 0.74892; gnomAD 0.75658 and 0.76795; 1000 Genomes Project 0.76178; ExAC 0.87197; gnomAD exomes 0.88218 and 0.89493.
gnomAD v4.1: 1,423,219 of 1,612,650 alleles (88%); highest among the groups gnomAD compares: East Asian, 98%; 638,098 homozygotes.

Submissions (11):

Women's Health and Genetics/Laboratory Corporation of America, LabCorp
Classification: Benign. Last evaluated: 2026-05-11. Review status: criteria provided, single submitter. Criteria: LabCorp Variant Classification Summary - May 2015. Collection method: clinical testing. Allele origin: germline.

Mayo Clinic Laboratories, Mayo Clinic
Classification: Benign. Last evaluated: 2025-03-27. Review status: criteria provided, single submitter. Criteria: ACMG Guidelines, 2015. Collection method: clinical testing. Allele origin: germline. Observed: 207 variant alleles.

Blueprint Genetics
Classification: Benign. Last evaluated: 2024-11-26. Review status: criteria provided, single submitter. Criteria: ACMG Guidelines, 2015. Collection method: clinical testing. Allele origin: germline.

Genome-Nilou Lab
Classification: Benign for Factor XIII, b subunit, deficiency of. Last evaluated: 2021-08-10. Review status: criteria provided, single submitter. Criteria: ACMG Guidelines, 2015. Collection method: clinical testing. Allele origin: germline. Affected: no.

GeneDx
Classification: Benign. Last evaluated: 2018-11-10. Review status: criteria provided, single submitter. Criteria: GeneDx Variant Classification Process June 2021. Collection method: clinical testing. Allele origin: germline. Affected: yes.
Comment: This variant is associated with the following publications: (PMID: 27821352, 12941053, 25384012, 16241947, 12456499)

Illumina Laboratory Services, Illumina
Classification: Benign for Factor XIII, b subunit, deficiency of. Last evaluated: 2018-03-06. Review status: criteria provided, single submitter. Criteria: ICSL Variant Classification Criteria 13 December 2019. Collection method: clinical testing. Allele origin: germline.
Comment: This variant was observed in the ICSL laboratory as part of a predisposition screen in an ostensibly healthy population. It had not been previously curated by ICSL or reported in the Human Gene Mutation Database (HGMD: prior to June 1st, 2018), and was therefore a candidate for classification through an automated scoring system. Utilizing variant allele frequency, disease prevalence and penetrance estimates, and inheritance mode, an automated score was calculated to assess if this variant is too frequent to cause the disease. Based on the score and internal cut-off values, a variant classified as benign is not then subjected to further curation. The score for this variant resulted in a classification of benign for this disease.

Breakthrough Genomics
Classification: Benign. Review status: criteria provided, single submitter. Criteria: ACMG Guidelines, 2015. Collection method: not provided. Allele origin: germline. Inheritance: Autosomal recessive inheritance. Affected: yes.

PreventionGenetics, part of Exact Sciences
Classification: Benign. Review status: criteria provided, single submitter. Criteria: ACMG Guidelines, 2015. Collection method: clinical testing. Allele origin: germline.

OMIM
Classification: risk factor for VENOUS THROMBOSIS, SUSCEPTIBILITY TO. Last evaluated: 2005-11-01. Review status: no assertion criteria provided. Collection method: literature only. Allele origin: germline. Not counted in ClinVar's aggregate classification.

Diagnostic Laboratory, Department of Genetics, University Medical Center Groningen
Classification: Benign. Review status: no assertion criteria provided. Collection method: clinical testing. Allele origin: germline. Affected: yes. Study: VKGL Data-share Consensus. Not counted in ClinVar's aggregate classification.

Joint Genome Diagnostic Labs from Nijmegen and Maastricht, Radboudumc and MUMC+
Classification: Benign. Review status: no assertion criteria provided. Collection method: clinical testing. Allele origin: germline. Affected: yes. Study: VKGL Data-share Consensus. Not counted in ClinVar's aggregate classification.

Literature cited by the submitters: PubMed 16241947 (cited by OMIM); PubMed 12456499 (cited by OMIM).